The following is an entry in ClinVar:

ClinVar aggregate classification (germline): Uncertain significance (1 of 4 stars; one submission).

Allele frequency attached by ClinVar (database versions not stated): gnomAD exomes below 0.00001; gnomAD 0.00001; TOPMed 0.00002.
gnomAD v4.1: 3 of 1,613,278 alleles (0.00019%); highest among the groups gnomAD compares: African/African-American, 0.004%; no homozygotes.

Submission:

Labcorp Genetics (formerly Invitae), Labcorp
Classification: Uncertain significance. Last evaluated: 2022-04-25. Review status: criteria provided, single submitter. Criteria: Invitae Variant Classification Sherloc (09022015). Collection method: clinical testing. Allele origin: germline.
Comment: In summary, the available evidence is currently insufficient to determine the role of this variant in disease. Therefore, it has been classified as a Variant of Uncertain Significance. Algorithms developed to predict the effect of missense changes on protein structure and function (SIFT, PolyPhen-2, Align-GVGD) all suggest that this variant is likely to be tolerated. This variant has not been reported in the literature in individuals affected with CARMIL2-related conditions. This variant is present in population databases (no rsID available, gnomAD 0.007%). This sequence change replaces leucine, which is neutral and non-polar, with phenylalanine, which is neutral and non-polar, at codon 918 of the CARMIL2 protein (p.Leu918Phe).

NM_001013838.3(CARMIL2):c.2752C>T (p.Leu918Phe)

Gene: CARMIL2 (capping protein regulator and myosin 1 linker 2; plus strand). Cytogenetic location: 16q22.1.
Variant type: single nucleotide variant.
Coding change: c.2752C>T on transcript NM_001013838.3 (MANE Select); coding-DNA position 2752, C replaced by T.
Protein change: p.Leu918Phe; replaces leucine 918 with phenylalanine.
Molecular consequence: missense variant.
Genome position (GRCh38, 1-based): chr16:67,652,274, C>T. VCF-style: chr16-67652274-C-T. GRCh37 (hg19) VCF-style: chr16-67686177-C-T.
Other names: c.2644C>T, p.Leu882Phe (NM_001317026.3); short protein forms L918F, L882F.
Identifiers: ClinVar variation 1926135 (VCV001926135.5), dbSNP rs1434010318, ClinGen allele CA396342217.